The following is an entry in ClinVar:

NM_006389.5(HYOU1):c.773A>G (p.Gln258Arg)

Gene: HYOU1 (hypoxia up-regulated 1; minus strand). Cytogenetic location: 11q23.3.
Variant type: single nucleotide variant.
Coding change: c.773A>G on transcript NM_006389.5 (MANE Select); coding-DNA position 773, A replaced by G.
Protein change: p.Gln258Arg; replaces glutamine 258 with arginine.
Molecular consequence: missense variant.
Genome position (GRCh38, 1-based): chr11:119,054,142, T>C on the plus strand (A>G on the coding strand, the complement: HYOU1 is on the minus strand). VCF-style: chr11-119054142-T-C. GRCh37 (hg19) VCF-style: chr11-118924854-T-C.
Other names: c.773A>G, p.Gln258Arg (NM_001130991.3, NM_001411041.1); short protein forms Q258R.
Identifiers: ClinVar variation 2109542 (VCV002109542.4), dbSNP rs1227101550, ClinGen allele CA382946898.
Genomic context (GRCh38, chr11:119,054,142, plus strand): 5'-GTCTTCACAAGCAGCCCTCCCTGCCAAGTATCCACTTACCCTACTCCCCGGATCTGCAGC[T>C]GTGGCTGCATCCCAGCTTCCTTAGTCTTCACCATCTGGTAGGTCACAATGGTGCATACGG-3'
Protein context (NP_006380.1, residues 248-268): VKTKEAGMQP[Gln258Arg]LQIRGVGFDR

ClinVar aggregate classification (germline): Uncertain significance (1 of 4 stars; one submission).

Allele frequency attached by ClinVar (database versions not stated): gnomAD 0.00001; TOPMed 0.00002.
gnomAD v4.1: 1 of 1,611,914 alleles (0.000062%); highest among the groups gnomAD compares: African/African-American, 0.0013%; no homozygotes.

Submission:

Labcorp Genetics (formerly Invitae), Labcorp
Classification: Uncertain significance. Last evaluated: 2022-06-09. Review status: criteria provided, single submitter. Criteria: Invitae Variant Classification Sherloc (09022015). Collection method: clinical testing. Allele origin: germline.
Comment: In summary, the available evidence is currently insufficient to determine the role of this variant in disease. Therefore, it has been classified as a Variant of Uncertain Significance. Algorithms developed to predict the effect of missense changes on protein structure and function are either unavailable or do not agree on the potential impact of this missense change (SIFT: "Not Available"; PolyPhen-2: "Possibly Damaging"; Align-GVGD: "Not Available"). This variant has not been reported in the literature in individuals affected with HYOU1-related conditions. This variant is not present in population databases (gnomAD no frequency). This sequence change replaces glutamine, which is neutral and polar, with arginine, which is basic and polar, at codon 258 of the HYOU1 protein (p.Gln258Arg).